The following is an entry in ClinVar:

NM_145038.5(DRC1):c.77C>G (p.Ser26Trp)

Gene: DRC1 (dynein regulatory complex subunit 1; plus strand). Cytogenetic location: 2p23.3.
Variant type: single nucleotide variant.
Coding change: c.77C>G on transcript NM_145038.5 (MANE Select); coding-DNA position 77, C replaced by G.
Protein change: p.Ser26Trp; replaces serine 26 with tryptophan.
Molecular consequence: missense variant.
Genome position (GRCh38, 1-based): chr2:26,402,066, C>G. VCF-style: chr2-26402066-C-G. GRCh37 (hg19) VCF-style: chr2-26624934-C-G.
Other names: short protein forms S26W.
Identifiers: ClinVar variation 643840 (VCV000643840.2), dbSNP rs745542616, ClinGen allele CA346125990.

ClinVar aggregate classification (germline): Uncertain significance (1 of 4 stars; one submission).

Conditions:
Primary ciliary dyskinesia. Also called: Ciliary dyskinesia. Identifiers: Orphanet 244, MedGen C0008780, MONDO:0016575, HP:0012265.

Allele frequency attached by ClinVar (database versions not stated): gnomAD 0.00001; 1000 Genomes Project 30x 0.00016.
gnomAD v4.1: 2 of 1,613,368 alleles (0.00012%); highest among the groups gnomAD compares: African/African-American, 0.0027%; no homozygotes.

Submission:

Labcorp Genetics (formerly Invitae), Labcorp
Classification: Uncertain significance for Primary ciliary dyskinesia. Last evaluated: 2019-07-22. Review status: criteria provided, single submitter. Criteria: Invitae Variant Classification Sherloc (09022015). Collection method: clinical testing. Allele origin: germline.
Comment: This sequence change replaces serine with tryptophan at codon 26 of the DRC1 protein (p.Ser26Trp). The serine residue is moderately conserved and there is a large physicochemical difference between serine and tryptophan. This variant is not present in population databases (ExAC no frequency). This variant has not been reported in the literature in individuals with DRC1-related disease. Algorithms developed to predict the effect of missense changes on protein structure and function are either unavailable or do not agree on the potential impact of this missense change (SIFT: "Deleterious"; PolyPhen-2: "Probably Damaging"; Align-GVGD: "Class C0"). In summary, the available evidence is currently insufficient to determine the role of this variant in disease. Therefore, it has been classified as a Variant of Uncertain Significance.